The following is an entry in ClinVar:

ClinVar aggregate classification (germline): Uncertain significance (1 of 4 stars; one submission).

Submission:

GeneDx
Classification: Uncertain significance. Last evaluated: 2020-04-03. Review status: criteria provided, single submitter. Criteria: GeneDx Variant Classification Process June 2021. Collection method: clinical testing. Allele origin: germline. Affected: yes.
Comment: Not observed in large population cohorts (Lek et al., 2016); In silico analysis supports that this missense variant does not alter protein structure/function; Occurs in the triple helical domain within an interruption of the canonical Gly-X-Y repeat; Has not been previously published as pathogenic or benign to our knowledge

NM_000091.5(COL4A3):c.1325T>C (p.Val442Ala)

Genes: COL4A3 (collagen type IV alpha 3 chain; plus strand), MFF-DT (MFF divergent transcript; minus strand). Cytogenetic location: 2q36.3.
Variant type: single nucleotide variant.
Coding change: c.1325T>C on transcript NM_000091.5 (MANE Select); coding-DNA position 1325, T replaced by C.
Protein change: p.Val442Ala; replaces valine 442 with alanine.
Molecular consequence: missense variant.
Genome position (GRCh38, 1-based): chr2:227,266,426, T>C. VCF-style: chr2-227266426-T-C. GRCh37 (hg19) VCF-style: chr2-228131142-T-C.
Other names: short protein forms V442A.
Identifiers: ClinVar variation 1312602 (VCV001312602.2), dbSNP rs2125981003, ClinGen allele CA350870064.
Genomic context (GRCh38, chr2:227,266,426, plus strand): 5'-AATTGAAAAAAACACAAATAAAAAATTGTCTTTGGTGCTGTATTTTTATAGGTGACATCG[T>C]TTTTCGCAAGGGTCCACCTGGAGATCACGGACTGCCAGGCTATCTAGGGTCTCCAGGAAT-3'
Protein context (NP_000082.2, residues 432-452): PGPPGPPGDI[Val442Ala]FRKGPPGDHG